The following is an entry in ClinVar:

NM_000156.6(GAMT):c.53C>T (p.Pro18Leu)

Genes: GAMT (guanidinoacetate N-methyltransferase; minus strand), LOC130062945 (ATAC-STARR-seq lymphoblastoid silent region 9707; plus strand). Cytogenetic location: 19p13.3.
Variant type: single nucleotide variant.
Coding change: c.53C>T on transcript NM_000156.6 (MANE Select); coding-DNA position 53, C replaced by T.
Protein change: p.Pro18Leu; replaces proline 18 with leucine.
Molecular consequence: missense variant.
Genome position (GRCh38, 1-based): chr19:1,401,424, G>A on the plus strand (C>T on the coding strand, the complement: GAMT is on the minus strand). VCF-style: chr19-1401424-G-A. GRCh37 (hg19) VCF-style: chr19-1401423-G-A.
Other names: c.53C>T, p.Pro18Leu (NM_138924.3); short protein forms P18L.
Identifiers: ClinVar variation 1440929 (VCV001440929.6), dbSNP rs2144641340, ClinGen allele CA402998345.

ClinVar aggregate classification (germline): Uncertain significance (1 of 4 stars; one submission).

Conditions:
Cerebral creatine deficiency syndrome. Also called: Creatine deficiency syndromes. Identifiers: Orphanet 79172, MedGen C5244016, MONDO:0000456.

gnomAD v4.1: 1 of 1,437,702 alleles (0.00007%); highest among the groups gnomAD compares: South Asian, 0.0014%; no homozygotes.

Submission:

Labcorp Genetics (formerly Invitae), Labcorp
Classification: Uncertain significance for Cerebral creatine deficiency syndrome. Last evaluated: 2022-08-09. Review status: criteria provided, single submitter. Criteria: Invitae Variant Classification Sherloc (09022015). Collection method: clinical testing. Allele origin: germline.
Comment: This variant has not been reported in the literature in individuals affected with GAMT-related conditions. This sequence change replaces proline, which is neutral and non-polar, with leucine, which is neutral and non-polar, at codon 18 of the GAMT protein (p.Pro18Leu). This variant is not present in population databases (gnomAD no frequency). ClinVar contains an entry for this variant (Variation ID: 1440929). In summary, the available evidence is currently insufficient to determine the role of this variant in disease. Therefore, it has been classified as a Variant of Uncertain Significance. Algorithms developed to predict the effect of missense changes on protein structure and function are either unavailable or do not agree on the potential impact of this missense change (SIFT: "Deleterious"; PolyPhen-2: "Benign"; Align-GVGD: "Class C0").